The following is an entry in ClinVar:

ClinVar aggregate classification (germline): Conflicting classifications of pathogenicity. Review status: criteria provided, conflicting classifications (1 of 4 stars). 4 submissions from 4 submitters: Uncertain significance (2); Likely benign (1). 1 of the submissions does not count toward it. Last evaluated 2025-06-11.

Conditions:
Breast and/or ovarian cancer. Identifiers: MedGen CN221562.
Hereditary cancer-predisposing syndrome. Also called: Hereditary Cancer Syndrome; Hereditary neoplastic syndrome; Neoplastic Syndromes, Hereditary; Tumor predisposition. Identifiers: Orphanet 140162, MedGen C0027672, MeSH D009386, MONDO:0015356.

Submissions (4):

Ambry Genetics
Classification: Uncertain significance for Hereditary cancer-predisposing syndrome. Last evaluated: 2025-06-11. Review status: criteria provided, single submitter. Criteria: Ambry Variant Classification Scheme 2023. Collection method: clinical testing. Allele origin: germline.
Comment: The p.V733G variant (also known as c.2198T>G), located in coding exon 10 of the BRCA2 gene, results from a T to G substitution at nucleotide position 2198. The valine at codon 733 is replaced by glycine, an amino acid with dissimilar properties. This amino acid position is not well conserved in available vertebrate species. In addition, the in silico prediction for this alteration is inconclusive. Based on the available evidence, the clinical significance of this variant remains unclear.

University of Washington Department of Laboratory Medicine, University of Washington
Classification: Likely benign for Hereditary cancer-predisposing syndrome. Last evaluated: 2023-03-23. Review status: criteria provided, single submitter. Criteria: Dines et al. (Genet Med. 2020). Collection method: curation. Allele origin: germline.
Comment: Missense variant in a coldspot region where missense variants are very unlikely to be pathogenic (PMID:31911673).

BRCA2 exon 11 coldspot. Reclassification based on statistical prior probability.

CHEO Genetics Diagnostic Laboratory, Children's Hospital of Eastern Ontario
Classification: Uncertain significance for Breast and/or ovarian cancer. Last evaluated: 2021-08-17. Review status: criteria provided, single submitter. Criteria: ACMG Guidelines, 2015. Collection method: clinical testing. Allele origin: germline.

Research Molecular Genetics Laboratory, Women's College Hospital, University of Toronto
Classification: Uncertain significance. Last evaluated: 2014-01-31. Review status: no assertion criteria provided. Collection method: research. Allele origin: germline. Affected: yes. Study: The Canadian Open Genetics Repository (COGR). Not counted in ClinVar's aggregate classification.

NM_000059.4(BRCA2):c.2198T>G (p.Val733Gly)

Gene: BRCA2 (BRCA2 DNA repair associated; plus strand). Cytogenetic location: 13q13.1.
Variant type: single nucleotide variant.
Coding change: c.2198T>G on transcript NM_000059.4 (MANE Select); coding-DNA position 2198, T replaced by G.
Protein change: p.Val733Gly; replaces valine 733 with glycine.
Molecular consequence: missense variant.
Genome position (GRCh38, 1-based): chr13:32,336,553, T>G. VCF-style: chr13-32336553-T-G. GRCh37 (hg19) VCF-style: chr13-32910690-T-G.
Other names: short protein forms V733G.
Identifiers: ClinVar variation 431298 (VCV000431298.5), dbSNP rs1135401897, ClinGen allele CA387770493.